The following is an entry in ClinVar:

NM_000384.3(APOB):c.4281C>T (p.Arg1427=)

Gene: APOB (apolipoprotein B; minus strand). Cytogenetic location: 2p24.1.
Variant type: single nucleotide variant.
Coding change: c.4281C>T on transcript NM_000384.3 (MANE Select); coding-DNA position 4281, C replaced by T.
Protein change: p.Arg1427=; no amino-acid change (arginine 1427 retained).
Molecular consequence: synonymous variant.
Genome position (GRCh38, 1-based): chr2:21,012,587, G>A on the plus strand (C>T on the coding strand, the complement: APOB is on the minus strand). VCF-style: chr2-21012587-G-A. GRCh37 (hg19) VCF-style: chr2-21235459-G-A.
Identifiers: ClinVar variation 1739353 (VCV001739353.8), dbSNP rs766605342, ClinGen allele CA060817.

ClinVar aggregate classification (germline): Likely benign. Review status: criteria provided, multiple submitters, no conflicts (2 of 4 stars). 3 submissions from 3 submitters: Likely benign (3). Last evaluated 2026-08-01.

Conditions:
Cardiovascular phenotype. Identifiers: MedGen CN230736.
Hypercholesterolemia, autosomal dominant, type B (FHCL2). Also called: Familial hypercholesterolemia 2; APOB-Related Familial Hypercholesterolemia, Autosomal Dominant; Familial Hypercholesterolemia Type B; Hyperlipoproteinemia Type IIb; APOLIPOPROTEIN B-100, FAMILIAL DEFECTIVE; APOLIPOPROTEIN B-100, FAMILIAL LIGAND-DEFECTIVE. Identifiers: MedGen C1704417, MONDO:0007751, OMIM 144010.
Familial hypobetalipoproteinemia 1. Also called: Acanthocytosis with hypobetalipoproteinemia; APOB-Related Familial Hypobetalipoproteinemia; Hypobetalipoproteinemia, normotriglyceridemic. Identifiers: MedGen C4551990, MONDO:0014252, OMIM 615558.

Allele frequency attached by ClinVar (database versions not stated): TOPMed below 0.00001; ExAC 0.00001; gnomAD exomes 0.00001.
gnomAD v4.1: 4 of 1,613,614 alleles (0.00025%); highest among the groups gnomAD compares: Admixed American, 0.0067%; no homozygotes.

Submissions (3):

CeGaT Center for Human Genetics Tuebingen
Classification: Likely benign. Last evaluated: 2026-08-01. Review status: criteria provided, single submitter. Criteria: CeGaT Center For Human Genetics Tuebingen Variant Classification Criteria Version 2. Collection method: clinical testing. Allele origin: germline. Affected: yes. Observed: 1 variant allele.
Comment: APOB: BP4, BP7

Labcorp Genetics (formerly Invitae), Labcorp
Classification: Likely benign for Familial hypobetalipoproteinemia 1; Hypercholesterolemia, autosomal dominant, type B. Last evaluated: 2025-10-26. Review status: criteria provided, single submitter. Criteria: Invitae Variant Classification Sherloc (09022015). Collection method: clinical testing. Allele origin: germline.

Ambry Genetics
Classification: Likely benign for Cardiovascular phenotype. Last evaluated: 2021-08-31. Review status: criteria provided, single submitter. Criteria: Ambry Variant Classification Scheme 2023. Collection method: clinical testing. Allele origin: germline.